The following is an entry in ClinVar:

ClinVar aggregate classification (germline): Uncertain significance (1 of 4 stars; one submission).

Submission:

Labcorp Genetics (formerly Invitae), Labcorp
Classification: Uncertain significance. Last evaluated: 2023-08-10. Review status: criteria provided, single submitter. Criteria: Invitae Variant Classification Sherloc (09022015). Collection method: clinical testing. Allele origin: germline.
Comment: In summary, the available evidence is currently insufficient to determine the role of this variant in disease. Therefore, it has been classified as a Variant of Uncertain Significance. Advanced modeling of protein sequence and biophysical properties (such as structural, functional, and spatial information, amino acid conservation, physicochemical variation, residue mobility, and thermodynamic stability) performed at Invitae indicates that this missense variant is expected to disrupt TUBB2B protein function. ClinVar contains an entry for this variant (Variation ID: 1389476). This variant has not been reported in the literature in individuals affected with TUBB2B-related conditions. This variant is not present in population databases (gnomAD no frequency). This sequence change replaces arginine, which is basic and polar, with leucine, which is neutral and non-polar, at codon 251 of the TUBB2B protein (p.Arg251Leu).

NM_178012.5(TUBB2B):c.752G>T (p.Arg251Leu)

Gene: TUBB2B (tubulin beta 2B class IIb; minus strand). Cytogenetic location: 6p25.2.
Variant type: single nucleotide variant.
Coding change: c.752G>T on transcript NM_178012.5 (MANE Select); coding-DNA position 752, G replaced by T.
Protein change: p.Arg251Leu; replaces arginine 251 with leucine.
Molecular consequence: missense variant.
Genome position (GRCh38, 1-based): chr6:3,225,337, C>A on the plus strand (G>T on the coding strand, the complement: TUBB2B is on the minus strand). VCF-style: chr6-3225337-C-A. GRCh37 (hg19) VCF-style: chr6-3225571-C-A.
Other names: short protein forms R251L.
Identifiers: ClinVar variation 1389476 (VCV001389476.8), dbSNP rs752640088, ClinGen allele CA362587107.
Genomic context (GRCh38, chr6:3,225,337, plus strand): 5'-GCGAAGCCGGGCATGAAGAAGTGCAGGCGAGGGAAGGGCACCATGTTCACCGCCAGCTTG[C>A]GCAGGTCTGCGTTCAGCTGGCCCGGGAAGCGCAGGCAGGTGGTGACCCCGCTCATGGTGG-3'
Protein context (NP_821080.1, residues 241-261): RFPGQLNADL[Arg251Leu]KLAVNMVPFP